The following is an entry in ClinVar:

ClinVar aggregate classification (germline): Uncertain significance (1 of 4 stars; one submission).

Allele frequency attached by ClinVar (database versions not stated): ExAC 0.00001; gnomAD 0.00001; gnomAD exomes 0.00001.
gnomAD v4.1: 9 of 1,614,052 alleles (0.00056%); highest among the groups gnomAD compares: East Asian, 0.02%; no homozygotes.

Submission:

Labcorp Genetics (formerly Invitae), Labcorp
Classification: Uncertain significance. Last evaluated: 2022-08-04. Review status: criteria provided, single submitter. Criteria: Invitae Variant Classification Sherloc (09022015). Collection method: clinical testing. Allele origin: germline.
Comment: In summary, the available evidence is currently insufficient to determine the role of this variant in disease. Therefore, it has been classified as a Variant of Uncertain Significance. Advanced modeling of protein sequence and biophysical properties (such as structural, functional, and spatial information, amino acid conservation, physicochemical variation, residue mobility, and thermodynamic stability) performed at Invitae indicates that this missense variant is not expected to disrupt LRP2 protein function. This variant has not been reported in the literature in individuals affected with LRP2-related conditions. This variant is present in population databases (rs777160368, gnomAD 0.01%). This sequence change replaces threonine, which is neutral and polar, with asparagine, which is neutral and polar, at codon 3354 of the LRP2 protein (p.Thr3354Asn).

NM_004525.3(LRP2):c.10061C>A (p.Thr3354Asn)

Gene: LRP2 (LDL receptor related protein 2; minus strand). Cytogenetic location: 2q31.1.
Variant type: single nucleotide variant.
Coding change: c.10061C>A on transcript NM_004525.3 (MANE Select); coding-DNA position 10061, C replaced by A.
Protein change: p.Thr3354Asn; replaces threonine 3354 with asparagine.
Molecular consequence: missense variant.
Genome position (GRCh38, 1-based): chr2:169,181,556, G>T on the plus strand (C>A on the coding strand, the complement: LRP2 is on the minus strand). VCF-style: chr2-169181556-G-T. GRCh37 (hg19) VCF-style: chr2-170038066-G-T.
Other names: short protein forms T3354N.
Identifiers: ClinVar variation 2177022 (VCV002177022.4), dbSNP rs777160368, ClinGen allele CA1953431.